The following is an entry in ClinVar:

ClinVar aggregate classification (germline): Pathogenic (1 of 4 stars; one submission).

Conditions:
Ehlers-Danlos syndrome due to tenascin-X deficiency (EDSCLL1). Also called: Ehlers-Danlos syndrome, classic-like, 1; EHLERS-DANLOS SYNDROME, CLASSIC-LIKE; TNXB-Related Classical-Like Ehlers-Danlos Syndrome; EDS DUE TO TNX DEFICIENCY; TNX DEFICIENCY. Identifiers: Orphanet 230839, MedGen C1848029, MONDO:0011670, OMIM 606408.

Submission:

Myriad Genetics, Inc.
Classification: Pathogenic for Ehlers-Danlos syndrome due to tenascin-X deficiency. Last evaluated: 2025-04-08. Review status: criteria provided, single submitter. Criteria: Myriad Autosomal Dominant, Autosomal Recessive and X-Linked Classification Criteria (2023). Collection method: clinical testing. Allele origin: unknown.
Comment: NM_019105.6(TNXB):c.1564delG(D522Tfs*49) is expected to be pathogenic in the context of classical-like Ehlers-Danlos syndrome, TNXB-related. This variant is predicted to lead to an abnormal or absent protein product due to the creation of a premature termination codon in TNXB, a gene where loss-of-function variants are known to be pathogenic. Please note: this variant was assessed in the context of healthy population screening.

NM_001365276.2(TNXB):c.1564del (p.Asp522fs)

Gene: TNXB (tenascin XB; minus strand). Cytogenetic location: 6p21.33.
Variant type: Deletion.
Coding change: c.1564del on transcript NM_001365276.2 (MANE Select); coding-DNA position 1564, one base deleted (G; older notation c.1564delG).
Protein change: p.Asp522fs; shifts the reading frame from aspartic acid 522.
Molecular consequence: frameshift variant.
Genome position (GRCh38, 1-based): chr6:32,096,289, C deleted on the plus strand (G on the coding strand, the reverse complement: TNXB is on the minus strand); the first of 2 consecutive C bases (chr6:32,096,289-32,096,290); deleting either gives the same sequence. VCF-style (leftmost placement, unchanged base first): chr6-32096288-TC-T. GRCh37 (hg19) VCF-style: chr6-32064065-TC-T.
Other names: c.1564del, p.Asp522fs (NM_001428335.1, NM_019105.8); short protein forms D522fs.
Identifiers: ClinVar variation 5014316 (VCV005014316.1).